The following is an entry in ClinVar:

NM_024809.5(TCTN2):c.347C>A (p.Ser116Tyr)

Gene: TCTN2 (tectonic family member 2; plus strand). Cytogenetic location: 12q24.31.
Variant type: single nucleotide variant.
Coding change: c.347C>A on transcript NM_024809.5 (MANE Select); coding-DNA position 347, C replaced by A.
Protein change: p.Ser116Tyr; replaces serine 116 with tyrosine.
Molecular consequence: missense variant.
Genome position (GRCh38, 1-based): chr12:123,673,694, C>A. VCF-style: chr12-123673694-C-A. GRCh37 (hg19) VCF-style: chr12-124158241-C-A.
Other names: c.347C>A (NM_024809.3); c.344C>A, p.Ser115Tyr (NM_001143850.3); c.347C>A, p.Ser116Tyr (NM_001410989.1); short protein forms S115Y, S116Y.
Identifiers: ClinVar variation 2039540 (VCV002039540.4), dbSNP rs368334136, ClinGen allele CA6860873.

ClinVar aggregate classification (germline): Uncertain significance. Review status: criteria provided, multiple submitters, no conflicts (2 of 4 stars). 3 submissions from 3 submitters: Uncertain significance (3). Last evaluated 2024-04-23.

Conditions:
Inborn genetic diseases. Identifiers: MedGen C0950123, MeSH D030342.
Joubert syndrome. Also called: CEREBELLOPARENCHYMAL DISORDER IV; JOUBERT-BOLTSHAUSER SYNDROME; Familial aplasia of the vermis. Identifiers: Orphanet 475, MedGen C5979921, MONDO:0018772.
Meckel-Gruber syndrome. Also called: DYSENCEPHALIA SPLANCHNOCYSTICA; GRUBER SYNDROME; Dysencephalia splachnocystica. Identifiers: Orphanet 564, MedGen C0265215, MONDO:0018921.
Meckel syndrome, type 8. Identifiers: Orphanet 564, MedGen C3836857, MONDO:0013482, OMIM 613885.
Joubert syndrome 24 (JBTS24). Identifiers: Orphanet 475, MedGen C4084841, MONDO:0014724, OMIM 616654.

gnomAD v4.1: 17 of 1,614,024 alleles (0.0011%); highest among the groups gnomAD compares: Admixed American, 0.027%; no homozygotes.

Submissions (3):

Fulgent Genetics
Classification: Uncertain significance for Meckel syndrome, type 8; Joubert syndrome 24. Last evaluated: 2024-04-23. Review status: criteria provided, single submitter. Criteria: ACMG Guidelines, 2015. Collection method: clinical testing. Allele origin: germline.

Ambry Genetics
Classification: Uncertain significance for Inborn genetic diseases. Last evaluated: 2023-08-19. Review status: criteria provided, single submitter. Criteria: Ambry Variant Classification Scheme 2023. Collection method: clinical testing. Allele origin: germline.

Labcorp Genetics (formerly Invitae), Labcorp
Classification: Uncertain significance for Joubert syndrome; Meckel-Gruber syndrome. Last evaluated: 2022-09-27. Review status: criteria provided, single submitter. Criteria: Invitae Variant Classification Sherloc (09022015). Collection method: clinical testing. Allele origin: germline.
Comment: This sequence change replaces serine, which is neutral and polar, with tyrosine, which is neutral and polar, at codon 116 of the TCTN2 protein (p.Ser116Tyr). This variant is present in population databases (rs368334136, gnomAD 0.04%). This variant has not been reported in the literature in individuals affected with TCTN2-related conditions. Advanced modeling of protein sequence and biophysical properties (such as structural, functional, and spatial information, amino acid conservation, physicochemical variation, residue mobility, and thermodynamic stability) performed at Invitae indicates that this missense variant is not expected to disrupt TCTN2 protein function. In summary, the available evidence is currently insufficient to determine the role of this variant in disease. Therefore, it has been classified as a Variant of Uncertain Significance.